The following is an entry in ClinVar:

NM_001042492.3(NF1):c.7457G>T (p.Arg2486Met)

Gene: NF1 (neurofibromin 1; plus strand). Cytogenetic location: 17q11.2.
Variant type: single nucleotide variant.
Coding change: c.7457G>T on transcript NM_001042492.3 (MANE Select); coding-DNA position 7457, G replaced by T.
Protein change: p.Arg2486Met; replaces arginine 2486 with methionine.
Molecular consequence: missense variant.
Genome position (GRCh38, 1-based): chr17:31,350,318, G>T. VCF-style: chr17-31350318-G-T. GRCh37 (hg19) VCF-style: chr17-29677336-G-T.
Other names: c.7394G>T, p.Arg2465Met (NM_000267.4); short protein forms R2486M, R2465M.
Identifiers: ClinVar variation 1758676 (VCV001758676.2), dbSNP rs2151574693, ClinGen allele CA399017229.

ClinVar aggregate classification (germline): Uncertain significance (1 of 4 stars; one submission).

Conditions:
Hereditary cancer-predisposing syndrome. Also called: Neoplastic Syndromes, Hereditary; Tumor predisposition; Hereditary Cancer Syndrome; Hereditary neoplastic syndrome. Identifiers: Orphanet 140162, MedGen C0027672, MeSH D009386, MONDO:0015356.
Cardiovascular phenotype. Identifiers: MedGen CN230736.

Submission:

Ambry Genetics
Classification: Uncertain significance for Cardiovascular phenotype; Hereditary cancer-predisposing syndrome. Last evaluated: 2021-07-13. Review status: criteria provided, single submitter. Criteria: Ambry Variant Classification Scheme 2023. Collection method: clinical testing. Allele origin: germline.
Comment: The p.R2465M variant (also known as c.7394G>T), located in coding exon 49 of the NF1 gene, results from a G to T substitution at nucleotide position 7394. The arginine at codon 2465 is replaced by methionine, an amino acid with similar properties. This amino acid position is highly conserved in available vertebrate species. In addition, the in silico prediction for this alteration is inconclusive. Since supporting evidence is limited at this time, the clinical significance of this alteration remains unclear.